The following is an entry in ClinVar:

ClinVar aggregate classification (germline): Uncertain significance (1 of 4 stars; one submission).

Submission:

Labcorp Genetics (formerly Invitae), Labcorp
Classification: Uncertain significance. Last evaluated: 2025-01-27. Review status: criteria provided, single submitter. Criteria: Invitae Variant Classification Sherloc (09022015). Collection method: clinical testing. Allele origin: germline.
Comment: This sequence change replaces serine, which is neutral and polar, with proline, which is neutral and non-polar, at codon 730 of the MBTPS1 protein (p.Ser730Pro). This variant is not present in population databases (gnomAD no frequency). This variant has not been reported in the literature in individuals affected with MBTPS1-related conditions. ClinVar contains an entry for this variant (Variation ID: 1929063). An algorithm developed to predict the effect of missense changes on protein structure and function (PolyPhen-2) suggests that this variant is likely to be tolerated. In summary, the available evidence is currently insufficient to determine the role of this variant in disease. Therefore, it has been classified as a Variant of Uncertain Significance.

NM_003791.4(MBTPS1):c.2188T>C (p.Ser730Pro)

Gene: MBTPS1 (membrane bound transcription factor peptidase, site 1; minus strand). Cytogenetic location: 16q23.3.
Variant type: single nucleotide variant.
Coding change: c.2188T>C on transcript NM_003791.4 (MANE Select); coding-DNA position 2188, T replaced by C.
Protein change: p.Ser730Pro; replaces serine 730 with proline.
Molecular consequence: missense variant.
Genome position (GRCh38, 1-based): chr16:84,067,707, A>G on the plus strand (T>C on the coding strand, the complement: MBTPS1 is on the minus strand). VCF-style: chr16-84067707-A-G. GRCh37 (hg19) VCF-style: chr16-84101312-A-G.
Other names: short protein forms S730P.
Identifiers: ClinVar variation 1929063 (VCV001929063.5), dbSNP rs2507745327, ClinGen allele CA396928595.
Genomic context (GRCh38, chr16:84,067,707, plus strand): 5'-CCAATGCGTATCAACAGTACCTTGTGTTTTCATCATAAAACTTCACTTTTCTCATAACAG[A>G]AGTGTTGTACCAGTCACTGAAGATGACGAGCGAGAGGCCGTTGTCCACGTCCCTCCGGAG-3'
Protein context (NP_003782.1, residues 720-740): LVIFSDWYNT[Ser730Pro]VMRKVKFYDE